The following is an entry in ClinVar:

NM_000256.3(MYBPC3):c.2507T>C (p.Met836Thr)

Gene: MYBPC3 (myosin binding protein C3; minus strand). Cytogenetic location: 11p11.2.
Variant type: single nucleotide variant.
Coding change: c.2507T>C on transcript NM_000256.3 (MANE Select); coding-DNA position 2507, T replaced by C.
Protein change: p.Met836Thr; replaces methionine 836 with threonine.
Molecular consequence: missense variant.
Genome position (GRCh38, 1-based): chr11:47,337,486, A>G on the plus strand (T>C on the coding strand, the complement: MYBPC3 is on the minus strand). VCF-style: chr11-47337486-A-G. GRCh37 (hg19) VCF-style: chr11-47359037-A-G.
Other names: c.2507T>C, p.Met836Thr (LRG_386t1); short protein forms M836T.
Identifiers: ClinVar variation 454315 (VCV000454315.15), dbSNP rs1555121215, ClinGen allele CA380318228.
Genomic context (GRCh38, chr11:47,337,486, plus strand): 5'-CTGGACATGCCGATGGCGTTGACCGCGTAGACGCGCATCTCGTACACCACGCCCTCGATC[A>G]TGCGCCGCGCTTCATGACTCAGCTCCTGAATCAGGTCGAAGTTCAGCCGCATCCACCGGT-3'
Protein context (NP_000247.2, residues 826-846): IQELSHEARR[Met836Thr]IEGVVYEMRV

ClinVar aggregate classification (germline): Uncertain significance. Review status: criteria provided, multiple submitters, no conflicts (2 of 4 stars). 4 submissions from 4 submitters: Uncertain significance (4). Last evaluated 2025-10-07.

Conditions:
Cardiovascular phenotype. Identifiers: MedGen CN230736.
Hypertrophic cardiomyopathy. Also called: HYPERTROPHIC MYOCARDIOPATHY. Identifiers: Orphanet 217569, MedGen C0007194, MeSH D002312, MONDO:0005045, HP:0001639.

Allele frequency attached by ClinVar (database versions not stated): gnomAD exomes 0.00001; TOPMed below 0.00001.

Submissions (4):

Labcorp Genetics (formerly Invitae), Labcorp
Classification: Uncertain significance for Hypertrophic cardiomyopathy. Last evaluated: 2025-10-07. Review status: criteria provided, single submitter. Criteria: Invitae Variant Classification Sherloc (09022015). Collection method: clinical testing. Allele origin: germline.
Comment: This sequence change replaces methionine, which is neutral and non-polar, with threonine, which is neutral and polar, at codon 836 of the MYBPC3 protein (p.Met836Thr). This variant is not present in population databases (gnomAD no frequency). This missense change has been observed in individual(s) with hypertrophic cardiomyopathy (PMID: 21310275). ClinVar contains an entry for this variant (Variation ID: 454315). An algorithm developed to predict the effect of missense changes on protein structure and function (PolyPhen-2) suggests that this variant is likely to be disruptive. In summary, the available evidence is currently insufficient to determine the role of this variant in disease. Therefore, it has been classified as a Variant of Uncertain Significance.

Ambry Genetics
Classification: Uncertain significance for Cardiovascular phenotype. Last evaluated: 2024-10-09. Review status: criteria provided, single submitter. Criteria: Ambry Variant Classification Scheme 2023. Collection method: clinical testing. Allele origin: germline.
Comment: The p.M836T variant (also known as c.2507T>C), located in coding exon 25 of the MYBPC3 gene, results from a T to C substitution at nucleotide position 2507. The methionine at codon 836 is replaced by threonine, an amino acid with similar properties. This amino acid position is highly conserved in available vertebrate species. In addition, this alteration is predicted to be deleterious by in silico analysis. Since supporting evidence is limited at this time, the clinical significance of this alteration remains unclear.

All of Us Research Program, National Institutes of Health
Classification: Uncertain significance for Hypertrophic cardiomyopathy. Last evaluated: 2023-11-20. Review status: criteria provided, single submitter. Criteria: ACMG Guidelines, 2015. Collection method: clinical testing. Allele origin: germline. Inheritance: Autosomal dominant inheritance. Observed: 1 variant allele, 1 heterozygote.
Comment: This missense variant replaces methionine with threonine at codon 836 of the MYBPC3 protein. Computational prediction suggests that this variant may have a deleterious impact on protein structure and function (internally defined REVEL score threshold >= 0.7, PMID: 27666373). To our knowledge, functional studies have not been reported for this variant. This variant has been reported in at least one individual affected with hypertrophic cardiomyopathy (PMID: 33495597). This variant has not been identified in the general population by the Genome Aggregation Database (gnomAD). The available evidence is insufficient to determine the role of this variant in disease conclusively. Therefore, this variant is classified as a Variant of Uncertain Significance.

This study involves interpretation of variants in research participants for the purpose of population health screening. Participant phenotype was not available at the time of variant classification. Additional details can be found in publication PMID: 35346344, PMCID: PMC8962531

Women's Health and Genetics/Laboratory Corporation of America, LabCorp
Classification: Uncertain significance. Last evaluated: 2021-02-01. Review status: criteria provided, single submitter. Criteria: LabCorp Variant Classification Summary - May 2015. Collection method: clinical testing. Allele origin: germline.
Comment: Variant summary: MYBPC3 c.2507T>C (p.Met836Thr) results in a non-conservative amino acid change located in the Fibronectin type III domain (IPR003961) of the encoded protein sequence. Three of four in-silico tools predict a damaging effect of the variant on protein function. The variant was absent in 249066 control chromosomes. The available data on variant occurrences in the general population are insufficient to allow any conclusion about variant significance. To our knowledge, no occurrence of c.2507T>C in individuals affected with Cardiomyopathy and no experimental evidence demonstrating its impact on protein function have been reported. Two clinical diagnostic laboratories have submitted clinical-significance assessments for this variant to ClinVar after 2014 without evidence for independent evaluation and cited the variant as uncertain significance. Based on the evidence outlined above, the variant was classified as uncertain significance.

Literature cited by the submitters: PubMed 21310275 (cited by Labcorp Genetics (formerly Invitae), Labcorp); PubMed 33495597 (cited by All of Us Research Program, National Institutes of Health).